The following is an entry in ClinVar:

NM_004006.3(DMD):c.3256_3257del (p.Lys1086fs)

Gene: DMD (dystrophin; minus strand). Cytogenetic location: Xp21.1.
Variant type: Deletion.
Coding change: c.3256_3257del on transcript NM_004006.3 (MANE Select); coding-DNA positions 3256 to 3257, 2 bases deleted (AA; older notation c.3256_3257delAA).
Protein change: p.Lys1086fs; shifts the reading frame from lysine 1086.
Molecular consequence: frameshift variant.
Genome position (GRCh38, 1-based): chrX:32,464,605-32,464,606, TT deleted on the plus strand (AA on the coding strand, the reverse complement: DMD is on the minus strand); deleting any 2 consecutive bases within chrX:32,464,605-32,464,610 gives the same sequence; the c. name uses the placement nearest the transcript's 3' end. VCF-style (leftmost placement, unchanged base first): chrX-32464604-CTT-C. GRCh37 (hg19) VCF-style: chrX-32482721-CTT-C.
Other names: c.3232_3233del, p.Lys1078fs (NM_000109.4); c.3244_3245del, p.Lys1082fs (NM_004009.3); c.2887_2888del, p.Lys963fs (NM_004010.3); short protein forms K1082fs, K1086fs, K963fs, K1078fs.
Identifiers: ClinVar variation 2030007 (VCV002030007.4), dbSNP rs1569563740, ClinGen allele CA2580100713.

ClinVar aggregate classification (germline): Pathogenic (1 of 4 stars; one submission).

Conditions:
Duchenne muscular dystrophy (DMD). Also called: MUSCULAR DYSTROPHY, PSEUDOHYPERTROPHIC PROGRESSIVE, DUCHENNE TYPE; Duchenne Muscular Dystrophy (DMD). Identifiers: Orphanet 98896, MedGen C0013264, MONDO:0010679, OMIM 310200.

Submission:

Labcorp Genetics (formerly Invitae), Labcorp
Classification: Pathogenic for Duchenne muscular dystrophy. Last evaluated: 2022-09-10. Review status: criteria provided, single submitter. Criteria: Invitae Variant Classification Sherloc (09022015). Collection method: clinical testing. Allele origin: germline.
Comment: This variant is not present in population databases (gnomAD no frequency). For these reasons, this variant has been classified as Pathogenic. This variant has not been reported in the literature in individuals affected with DMD-related conditions. This sequence change creates a premature translational stop signal (p.Lys1086Alafs*11) in the DMD gene. It is expected to result in an absent or disrupted protein product. Loss-of-function variants in DMD are known to be pathogenic (PMID: 16770791, 25007885).

Literature cited by the submitters: PubMed 16770791; PubMed 25007885.